The following is an entry in ClinVar:

ClinVar aggregate classification (germline): Uncertain significance (1 of 4 stars; one submission).

Conditions:
Infantile-onset X-linked spinal muscular atrophy. Also called: Spinal Muscular Atrophy, X-Linked Infantile; SPINAL MUSCULAR ATROPHY, X-LINKED LETHAL INFANTILE; ARTHROGRYPOSIS, X-LINKED, TYPE I; AMC, DISTAL, X-LINKED; Spinal muscular atrophy, X-linked 2. Identifiers: Orphanet 1145, MedGen C1844934, MONDO:0010532, OMIM 301830.

Submission:

Labcorp Genetics (formerly Invitae), Labcorp
Classification: Uncertain significance for Infantile-onset X-linked spinal muscular atrophy. Last evaluated: 2022-08-31. Review status: criteria provided, single submitter. Criteria: Invitae Variant Classification Sherloc (09022015). Collection method: clinical testing. Allele origin: germline.
Comment: This sequence change replaces asparagine, which is neutral and polar, with aspartic acid, which is acidic and polar, at codon 22 of the UBA1 protein (p.Asn22Asp). This variant is not present in population databases (gnomAD no frequency). This variant has not been reported in the literature in individuals affected with UBA1-related conditions. Algorithms developed to predict the effect of missense changes on protein structure and function (SIFT, PolyPhen-2, Align-GVGD) all suggest that this variant is likely to be tolerated. In summary, the available evidence is currently insufficient to determine the role of this variant in disease. Therefore, it has been classified as a Variant of Uncertain Significance.

NM_003334.4(UBA1):c.64A>G (p.Asn22Asp)

Genes: UBA1 (ubiquitin like modifier activating enzyme 1; plus strand), LOC126863253 (CDK7 strongly-dependent group 2 enhancer GRCh37_chrX:47057593-47058792; plus strand). Cytogenetic location: Xp11.3.
Variant type: single nucleotide variant.
Coding change: c.64A>G on transcript NM_003334.4 (MANE Select); coding-DNA position 64, A replaced by G.
Protein change: p.Asn22Asp; replaces asparagine 22 with aspartic acid.
Molecular consequence: missense variant.
Genome position (GRCh38, 1-based): chrX:47,198,866, A>G. VCF-style: chrX-47198866-A-G. GRCh37 (hg19) VCF-style: chrX-47058265-A-G.
Other names: c.64A>G, p.Asn22Asp (NM_153280.3); short protein forms N22D.
Identifiers: ClinVar variation 1943973 (VCV001943973.5), dbSNP rs2521384435, ClinGen allele CA412786338.